The following is an entry in ClinVar:

ClinVar aggregate classification (germline): Likely benign (1 of 4 stars; one submission).

Allele frequency attached by ClinVar (database versions not stated): gnomAD 0.00028 and 0.00031; 1000 Genomes Project 0.00040; TOPMed 0.00042; 1000 Genomes Project 30x 0.00062.

Submission:

GeneDx
Classification: Likely benign. Last evaluated: 2016-10-20. Review status: criteria provided, single submitter. Criteria: GeneDx Variant Classification (06012015). Collection method: clinical testing. Allele origin: germline. Affected: yes.
Comment: This variant is considered likely benign or benign based on one or more of the following criteria: it is a conservative change, it occurs at a poorly conserved position in the protein, it is predicted to be benign by multiple in silico algorithms, and/or has population frequency not consistent with disease.

NM_015214.3(DDHD2):c.*28C>T

Gene: DDHD2 (DDHD domain containing 2; plus strand). Cytogenetic location: 8p11.23.
Variant type: single nucleotide variant.
Coding change: c.*28C>T on transcript NM_015214.3 (MANE Select); 28 bases downstream of the stop codon, C replaced by T.
Molecular consequence: 3 prime UTR variant. On other transcripts: non-coding transcript variant (1), intron variant (1).
Genome position (GRCh38, 1-based): chr8:38,260,601, C>T. VCF-style: chr8-38260601-C-T. GRCh37 (hg19) VCF-style: chr8-38118119-C-T.
Other names: c.*28C>T (NM_001164232.2, NM_001362913.2, NM_001362914.2); c.*64C>T (NM_001362912.2); c.*26+454C>T (NM_001362911.2).
Identifiers: ClinVar variation 390009 (VCV000390009.1), dbSNP rs145138059, ClinGen allele CA16606088.